The following is an entry in ClinVar:

NM_001085487.3(MYSM1):c.2249A>G (p.Glu750Gly)

Gene: MYSM1 (Myb like, SWIRM and MPN domains 1; minus strand). Cytogenetic location: 1p32.1.
Variant type: single nucleotide variant.
Coding change: c.2249A>G on transcript NM_001085487.3 (MANE Select); coding-DNA position 2249, A replaced by G.
Protein change: p.Glu750Gly; replaces glutamic acid 750 with glycine.
Molecular consequence: missense variant.
Genome position (GRCh38, 1-based): chr1:58,661,427, T>C on the plus strand (A>G on the coding strand, the complement: MYSM1 is on the minus strand). VCF-style: chr1-58661427-T-C. GRCh37 (hg19) VCF-style: chr1-59127099-T-C.
Other names: short protein forms E750G.
Identifiers: ClinVar variation 2976769 (VCV002976769.3), dbSNP rs1192171918, ClinGen allele CA340518166.

ClinVar aggregate classification (germline): Uncertain significance (1 of 4 stars; one submission).

Allele frequency attached by ClinVar (database versions not stated): gnomAD exomes 0.00001; gnomAD 0.00002; TOPMed 0.00002.
gnomAD v4.1: 16 of 1,592,112 alleles (0.001%); highest among the groups gnomAD compares: Middle Eastern, 0.017%; no homozygotes.

Submission:

Labcorp Genetics (formerly Invitae), Labcorp
Classification: Uncertain significance. Last evaluated: 2023-06-15. Review status: criteria provided, single submitter. Criteria: Invitae Variant Classification Sherloc (09022015). Collection method: clinical testing. Allele origin: germline.
Comment: This sequence change replaces glutamic acid, which is acidic and polar, with glycine, which is neutral and non-polar, at codon 750 of the MYSM1 protein (p.Glu750Gly). This variant is present in population databases (no rsID available, gnomAD 0.002%). This variant has not been reported in the literature in individuals affected with MYSM1-related conditions. Algorithms developed to predict the effect of missense changes on protein structure and function output the following: SIFT: "Not Available"; PolyPhen-2: "Benign"; Align-GVGD: "Not Available". The glycine amino acid residue is found in multiple mammalian species, which suggests that this missense change does not adversely affect protein function. In summary, the available evidence is currently insufficient to determine the role of this variant in disease. Therefore, it has been classified as a Variant of Uncertain Significance.